The following is an entry in ClinVar:

ClinVar aggregate classification (germline): Benign (0 of 4 stars; one submission).

Conditions:
EPPK1-related disorder. Also called: EPPK1-related condition.

Allele frequency attached by ClinVar (database versions not stated): ESP Exome Variant Server 0.00031; gnomAD exomes 0.00056; ExAC 0.00182; gnomAD 0.00186; 1000 Genomes Project 0.00220; TOPMed 0.00281; 1000 Genomes Project 30x 0.00297.
gnomAD v4.1: 1,091 of 1,609,144 alleles (0.068%); highest among the groups gnomAD compares: Admixed American, 1.6%; 11 homozygotes.

Submission:

PreventionGenetics, part of Exact Sciences
Classification: Benign for EPPK1-related condition. Last evaluated: 2021-04-20. Review status: no assertion criteria provided. Collection method: clinical testing. Allele origin: germline.
Comment: This variant is classified as benign based on ACMG/AMP sequence variant interpretation guidelines (Richards et al. 2015 PMID: 25741868, with internal and published modifications).

NM_031308.4(EPPK1):c.4399G>A (p.Val1467Met)

Gene: EPPK1 (epiplakin 1; minus strand). Cytogenetic location: 8q24.3.
Variant type: single nucleotide variant.
Coding change: c.4399G>A on transcript NM_031308.4 (MANE Select); coding-DNA position 4399, G replaced by A.
Protein change: p.Val1467Met; replaces valine 1467 with methionine.
Molecular consequence: missense variant.
Genome position (GRCh38, 1-based): chr8:143,868,855, C>T on the plus strand (G>A on the coding strand, the complement: EPPK1 is on the minus strand). VCF-style: chr8-143868855-C-T. GRCh37 (hg19) VCF-style: chr8-144943023-C-T.
Other names: short protein forms V1467M.
Identifiers: ClinVar variation 3040817 (VCV003040817.2), dbSNP rs193109542, ClinGen allele CA4922504.